The following is an entry in ClinVar:

ClinVar aggregate classification (germline): Benign/Likely benign. Review status: criteria provided, multiple submitters, no conflicts (2 of 4 stars). 7 submissions from 7 submitters: Benign (1); Likely benign (5). 1 of the submissions does not count toward it. Last evaluated 2026-01-26.

Conditions:
Osteogenesis imperfecta type 6. Also called: Osteogenesis imperfecta, type VI. Identifiers: Orphanet 666, MedGen C3279564, MONDO:0013515, OMIM 613982.
Osteogenesis imperfecta (OI). Identifiers: Orphanet 666, MedGen C0029434, MeSH D010013, MONDO:0019019.
Hirschsprung disease, susceptibility to, 1 (HSCR1). Also called: RET-Related Hirschsprung Disease. Identifiers: Orphanet 388, MedGen C3888239, MONDO:0007723, OMIM 142623.

Allele frequency attached by ClinVar (database versions not stated): ESP Exome Variant Server 0.00377; TOPMed 0.00423; 1000 Genomes Project 30x 0.00484; 1000 Genomes Project 0.00539.
gnomAD v4.1: 3,199 of 1,611,376 alleles (0.2%); highest among the groups gnomAD compares: African/African-American, 1%; 12 homozygotes.

Submissions (7):

Labcorp Genetics (formerly Invitae), Labcorp
Classification: Benign. Last evaluated: 2026-01-26. Review status: criteria provided, single submitter. Criteria: Invitae Variant Classification Sherloc (09022015). Collection method: clinical testing. Allele origin: germline.

CeGaT Center for Human Genetics Tuebingen
Classification: Likely benign. Last evaluated: 2025-10-01. Review status: criteria provided, single submitter. Criteria: CeGaT Center For Human Genetics Tuebingen Variant Classification Criteria Version 2. Collection method: clinical testing. Allele origin: germline. Affected: yes. Observed: 3 variant alleles.
Comment: SERPINF1: BP4, BS1

Blueprint Genetics
Classification: Likely benign. Last evaluated: 2024-11-18. Review status: criteria provided, single submitter. Criteria: ACMG Guidelines, 2015. Collection method: clinical testing. Allele origin: germline.

Genome Diagnostics Laboratory, The Hospital for Sick Children
Classification: Likely benign for Osteogenesis imperfecta. Last evaluated: 2021-08-09. Review status: criteria provided, single submitter. Criteria: ACMG Guidelines, 2015. Collection method: clinical testing. Allele origin: germline.

GeneDx
Classification: Likely benign. Last evaluated: 2019-07-13. Review status: criteria provided, single submitter. Criteria: GeneDx Variant Classification Process June 2021. Collection method: clinical testing. Allele origin: germline. Affected: yes.

Illumina Laboratory Services, Illumina
Classification: Likely benign for Osteogenesis imperfecta type 6. Last evaluated: 2018-01-13. Review status: criteria provided, single submitter. Criteria: ICSL Variant Classification Criteria 13 December 2019. Collection method: clinical testing. Allele origin: germline.
Comment: This variant was observed in the ICSL laboratory as part of a predisposition screen in an ostensibly healthy population. It had not been previously curated by ICSL or reported in the Human Gene Mutation Database (HGMD: prior to June 1st, 2018), and was therefore a candidate for classification through an automated scoring system. Utilizing variant allele frequency, disease prevalence and penetrance estimates, and inheritance mode, an automated score was calculated to assess if this variant is too frequent to cause the disease. Based on the score and internal cut-off values, a variant classified as likely benign is not then subjected to further curation. The score for this variant resulted in a classification of likely benign for this disease.

Clinical Genetics, Erasmus University Medical Center
Classification: Uncertain significance for Hirschsprung disease, susceptibility to, 1. Last evaluated: 2016-11-18. Review status: no assertion criteria provided. Collection method: clinical testing. Allele origin: paternal. Inheritance: Oligogenic inheritance. Affected: yes. Observed: 1 variant allele, 1 heterozygote. Not counted in ClinVar's aggregate classification.

NM_002615.7(SERPINF1):c.643+8C>T

Gene: SERPINF1 (serpin family F member 1; plus strand). Cytogenetic location: 17p13.3.
Variant type: single nucleotide variant.
Coding change: c.643+8C>T on transcript NM_002615.7 (MANE Select); 8 bases into the intron after coding-DNA position 643, C replaced by T.
Molecular consequence: intron variant.
Genome position (GRCh38, 1-based): chr17:1,772,083, C>T. VCF-style: chr17-1772083-C-T. GRCh37 (hg19) VCF-style: chr17-1675377-C-T.
Other names: c.82+8C>T (NM_001329904.2, NM_001329905.2); c.643+8C>T (NM_001329903.2).
Identifiers: ClinVar variation 279577 (VCV000279577.49), dbSNP rs149399910, ClinGen allele CA8274762.